The following is an entry in ClinVar:

NM_006218.4(PIK3CA):c.539A>C (p.His180Pro)

Gene: PIK3CA (phosphatidylinositol-4,5-bisphosphate 3-kinase catalytic subunit alpha; plus strand). Cytogenetic location: 3q26.32.
Variant type: single nucleotide variant.
Coding change: c.539A>C on transcript NM_006218.4 (MANE Select); coding-DNA position 539, A replaced by C.
Protein change: p.His180Pro; replaces histidine 180 with proline.
Molecular consequence: missense variant.
Genome position (GRCh38, 1-based): chr3:179,199,876, A>C. VCF-style: chr3-179199876-A-C. GRCh37 (hg19) VCF-style: chr3-178917664-A-C.
Other names: short protein forms H180P.
Identifiers: ClinVar variation 4627619 (VCV004627619.1).

ClinVar aggregate classification (germline): Uncertain significance (1 of 4 stars; one submission).

Conditions:
Inborn genetic diseases. Identifiers: MedGen C0950123, MeSH D030342.

Submission:

Ambry Genetics
Classification: Uncertain significance for Inborn genetic diseases. Last evaluated: 2025-10-03. Review status: criteria provided, single submitter. Criteria: Ambry Variant Classification Scheme 2023. Collection method: clinical testing. Allele origin: germline.
Comment: The p.H180P variant (also known as c.539A>C), located in coding exon 2 of the PIK3CA gene, results from an A to C substitution at nucleotide position 539. The histidine at codon 180 is replaced by proline, an amino acid with similar properties. This amino acid position is conserved. In addition, the in silico prediction for this alteration is inconclusive. Based on the available evidence, the clinical significance of this variant remains unclear.